The following is an entry in ClinVar:

NM_020433.5(JPH2):c.1055G>A (p.Arg352His)

Gene: JPH2 (junctophilin 2; minus strand). Cytogenetic location: 20q13.12.
Variant type: single nucleotide variant.
Coding change: c.1055G>A on transcript NM_020433.5 (MANE Select); coding-DNA position 1055, G replaced by A.
Protein change: p.Arg352His; replaces arginine 352 with histidine.
Molecular consequence: missense variant.
Genome position (GRCh38, 1-based): chr20:44,159,732, C>T on the plus strand (G>A on the coding strand, the complement: JPH2 is on the minus strand). VCF-style: chr20-44159732-C-T. GRCh37 (hg19) VCF-style: chr20-42788372-C-T.
Other names: short protein forms R352H.
Identifiers: ClinVar variation 3049332 (VCV003049332.3), dbSNP rs1273646828, ClinGen allele CA409093095.
Genomic context (GRCh38, chr20:44,159,732, plus strand): 5'-CCCTCCACACTGTGCTCCACTTTCTGGCGGACCTTGTTGCTCTTGAGCTGCAGCATGCGG[C>T]GCTTGGTGTCCTTGACCAGCACGTTGTGGCGGTACTTGCCCTCCTCGCGGTGGCCGTCGG-3'
Protein context (NP_065166.2, residues 342-362): RHNVLVKDTK[Arg352His]RMLQLKSNKV

ClinVar aggregate classification (germline): Uncertain significance. Review status: criteria provided, single submitter (1 of 4 stars). 2 submissions from 2 submitters: Uncertain significance (1). 1 of the submissions does not count toward it. Last evaluated 2025-04-30.

Conditions:
Cardiovascular phenotype. Identifiers: MedGen CN230736.
JPH2-related disorder. Also called: JPH2-related condition.

Allele frequency attached by ClinVar (database versions not stated): gnomAD exomes below 0.00001.
gnomAD v4.1: 3 of 1,613,674 alleles (0.00019%); highest among the groups gnomAD compares: Admixed American, 0.0017%; no homozygotes.

Submissions (2):

Ambry Genetics
Classification: Uncertain significance for Cardiovascular phenotype. Last evaluated: 2025-04-30. Review status: criteria provided, single submitter. Criteria: Ambry Variant Classification Scheme 2023. Collection method: clinical testing. Allele origin: germline.

PreventionGenetics, part of Exact Sciences
Classification: Uncertain significance for JPH2-related condition. Last evaluated: 2024-02-01. Review status: no assertion criteria provided. Collection method: clinical testing. Allele origin: germline. Not counted in ClinVar's aggregate classification.
Comment: The JPH2 c.1055G>A variant is predicted to result in the amino acid substitution p.Arg352His. To our knowledge, this variant has not been reported in the literature. This variant is reported in 0.0029% of alleles in individuals of Latino descent in gnomAD. At this time, the clinical significance of this variant is uncertain due to the absence of conclusive functional and genetic evidence.